The following is an entry in ClinVar:

NM_025114.4(CEP290):c.4888G>A (p.Val1630Ile)

Gene: CEP290 (centrosomal protein 290; minus strand). Cytogenetic location: 12q21.32.
Variant type: single nucleotide variant.
Coding change: c.4888G>A on transcript NM_025114.4 (MANE Select); coding-DNA position 4888, G replaced by A.
Protein change: p.Val1630Ile; replaces valine 1630 with isoleucine.
Molecular consequence: missense variant.
Genome position (GRCh38, 1-based): chr12:88,083,155, C>T on the plus strand (G>A on the coding strand, the complement: CEP290 is on the minus strand). VCF-style: chr12-88083155-C-T. GRCh37 (hg19) VCF-style: chr12-88476932-C-T.
Other names: short protein forms V1630I.
Identifiers: ClinVar variation 1022791 (VCV001022791.12), dbSNP rs2036315177, ClinGen allele CA385992923.

ClinVar aggregate classification (germline): Uncertain significance (1 of 4 stars; one submission).

Conditions:
Joubert syndrome. Also called: Familial aplasia of the vermis; CEREBELLOPARENCHYMAL DISORDER IV; JOUBERT-BOLTSHAUSER SYNDROME. Identifiers: Orphanet 475, MedGen C5979921, MONDO:0018772.
Meckel-Gruber syndrome. Also called: Dysencephalia splachnocystica; DYSENCEPHALIA SPLANCHNOCYSTICA; GRUBER SYNDROME. Identifiers: Orphanet 564, MedGen C0265215, MONDO:0018921.
Nephronophthisis. Also called: Juvenile Nephronophthisis. Identifiers: Orphanet 655, MedGen C0687120, MONDO:0019005, HP:0000090.

Submission:

Labcorp Genetics (formerly Invitae), Labcorp
Classification: Uncertain significance for Joubert syndrome; Meckel-Gruber syndrome; Nephronophthisis. Last evaluated: 2022-07-11. Review status: criteria provided, single submitter. Criteria: Invitae Variant Classification Sherloc (09022015). Collection method: clinical testing. Allele origin: germline.
Comment: In summary, the available evidence is currently insufficient to determine the role of this variant in disease. Therefore, it has been classified as a Variant of Uncertain Significance. Algorithms developed to predict the effect of missense changes on protein structure and function are either unavailable or do not agree on the potential impact of this missense change (SIFT: "Deleterious"; PolyPhen-2: "Probably Damaging"; Align-GVGD: "Class C0"). ClinVar contains an entry for this variant (Variation ID: 1022791). This variant has not been reported in the literature in individuals affected with CEP290-related conditions. This variant is not present in population databases (gnomAD no frequency). This sequence change replaces valine, which is neutral and non-polar, with isoleucine, which is neutral and non-polar, at codon 1630 of the CEP290 protein (p.Val1630Ile).